The following is an entry in ClinVar:

ClinVar aggregate classification (germline): Pathogenic (1 of 4 stars; one submission).

Submission:

Baylor Genetics
Classification: Pathogenic. Last evaluated: 2018-11-01. Review status: criteria provided, single submitter. Criteria: ACMG CNV Guidelines, 2011. Collection method: clinical testing. Allele origin: germline.
Comment: Duplications involving this region have been previously reported in patients with facial dysmorphism, skeletal and limb abnormalities, cardiac anomalies, developmental delay, intellectual disability (PMID: 15216553)

GRCh37/hg19 12q24.31-24.33(chr12:125451405-133810935)

Genes: AACS (acetoacetyl-CoA synthetase; plus strand), ADGRD1 (adhesion G protein-coupled receptor D1; plus strand), ANHX (anomalous homeobox; minus strand), ANKLE2 (ankyrin repeat and LEM domain containing 2; minus strand), BRI3BP (BRI3 binding protein; plus strand) and 34 more. Cytogenetic location: 12q24.31-24.33.
Variant type: copy number gain.
Identifiers: ClinVar variation 625819 (VCV000625819.1).